The following is an entry in ClinVar:

NM_001388492.1(HTT):c.5680G>A (p.Val1894Ile)

Gene: HTT (huntingtin; plus strand). Cytogenetic location: 4p16.3.
Variant type: single nucleotide variant.
Coding change: c.5680G>A on transcript NM_001388492.1 (MANE Select); coding-DNA position 5680, G replaced by A.
Protein change: p.Val1894Ile; replaces valine 1894 with isoleucine.
Molecular consequence: missense variant.
Genome position (GRCh38, 1-based): chr4:3,204,110, G>A. VCF-style: chr4-3204110-G-A. GRCh37 (hg19) VCF-style: chr4-3205837-G-A.
Other names: c.5686G>A, p.Val1896Ile (NM_002111.8); short protein forms V1896I, V1894I.
Identifiers: ClinVar variation 1446009 (VCV001446009.6), dbSNP rs2110266855, ClinGen allele CA356079306.

ClinVar aggregate classification (germline): Uncertain significance (1 of 4 stars; one submission).

Submission:

Labcorp Genetics (formerly Invitae), Labcorp
Classification: Uncertain significance. Last evaluated: 2022-11-22. Review status: criteria provided, single submitter. Criteria: Invitae Variant Classification Sherloc (09022015). Collection method: clinical testing. Allele origin: germline.
Comment: In summary, the available evidence is currently insufficient to determine the role of this variant in disease. Therefore, it has been classified as a Variant of Uncertain Significance. Experimental studies and prediction algorithms are not available or were not evaluated, and the functional significance of this variant is currently unknown. ClinVar contains an entry for this variant (Variation ID: 1446009). This variant has not been reported in the literature in individuals affected with HTT-related conditions. This variant is not present in population databases (gnomAD no frequency). This sequence change replaces valine, which is neutral and non-polar, with isoleucine, which is neutral and non-polar, at codon 1896 of the HTT protein (p.Val1896Ile).